The following is an entry in ClinVar:

ClinVar aggregate classification (germline): Uncertain significance (1 of 4 stars; one submission).

Conditions:
Inborn genetic diseases. Identifiers: MedGen C0950123, MeSH D030342.

Submission:

Ambry Genetics
Classification: Uncertain significance for Inborn genetic diseases. Last evaluated: 2025-09-26. Review status: criteria provided, single submitter. Criteria: Ambry Variant Classification Scheme 2023. Collection method: clinical testing. Allele origin: germline.
Comment: The p.R1171K variant (also known as c.3512G>A), located in coding exon 13 of the ASXL1 gene, results from a G to A substitution at nucleotide position 3512. The arginine at codon 1171 is replaced by lysine, an amino acid with highly similar properties. This amino acid position is conserved. In addition, this alteration is predicted to be tolerated by in silico analysis. Based on the available evidence, the clinical significance of this variant remains unclear.

NM_015338.6(ASXL1):c.3512G>A (p.Arg1171Lys)

Gene: ASXL1 (ASXL transcriptional regulator 1; plus strand). Cytogenetic location: 20q11.21.
Variant type: single nucleotide variant.
Coding change: c.3512G>A on transcript NM_015338.6 (MANE Select); coding-DNA position 3512, G replaced by A.
Protein change: p.Arg1171Lys; replaces arginine 1171 with lysine.
Molecular consequence: missense variant.
Genome position (GRCh38, 1-based): chr20:32,436,224, G>A. VCF-style: chr20-32436224-G-A. GRCh37 (hg19) VCF-style: chr20-31024027-G-A.
Other names: c.3329G>A, p.Arg1110Lys (NM_001363734.1); short protein forms R1110K, R1171K.
Identifiers: ClinVar variation 4587345 (VCV004587345.1).